The following is an entry in ClinVar:

NM_002734.5(PRKAR1A):c.40A>G (p.Ser14Gly)

Gene: PRKAR1A (protein kinase cAMP-dependent type I regulatory subunit alpha; plus strand). Cytogenetic location: 17q24.2.
Variant type: single nucleotide variant.
Coding change: c.40A>G on transcript NM_002734.5 (MANE Select); coding-DNA position 40, A replaced by G.
Protein change: p.Ser14Gly; replaces serine 14 with glycine.
Molecular consequence: missense variant.
Genome position (GRCh38, 1-based): chr17:68,515,439, A>G. VCF-style: chr17-68515439-A-G. GRCh37 (hg19) VCF-style: chr17-66511580-A-G.
Other names: c.40A>G (NM_002734.3); c.40A>G, p.Ser14Gly (NM_001276289.2, NM_001276290.1, NM_001278433.2 and 4 more transcripts); short protein forms S14G.
Identifiers: ClinVar variation 2761406 (VCV002761406.4), dbSNP rs2509357630, ClinGen allele CA400751839.
Genomic context (GRCh38, chr17:68,515,439, plus strand): 5'-GTTTTTTTCTCGCAGAGAACCATGGAGTCTGGCAGTACCGCCGCCAGTGAGGAGGCACGC[A>G]GCCTTCGAGAATGTGAGCTCTACGTCCAGAAGCATAACATTCAAGCGCTGCTCAAAGATT-3'
Protein context (NP_002725.1, residues 4-24): GSTAASEEAR[Ser14Gly]LRECELYVQK

ClinVar aggregate classification (germline): Uncertain significance. Review status: criteria provided, multiple submitters, no conflicts (2 of 4 stars). 2 submissions from 2 submitters: Uncertain significance (2). Last evaluated 2026-04-16.

Conditions:
Hereditary cancer-predisposing syndrome. Also called: Tumor predisposition; Hereditary neoplastic syndrome; Neoplastic Syndromes, Hereditary; Hereditary Cancer Syndrome. Identifiers: Orphanet 140162, MedGen C0027672, MeSH D009386, MONDO:0015356.
Carney complex, type 1 (CNC1). Also called: CARNEY COMPLEX, TYPE I; CARNEY MYXOMA-ENDOCRINE COMPLEX. Identifiers: Orphanet 1359, MedGen C2607929, MONDO:0008057, OMIM 160980.

Allele frequency attached by ClinVar (database versions not stated): gnomAD exomes below 0.00001.
gnomAD v4.1: 2 of 1,613,608 alleles (0.00012%); highest among the groups gnomAD compares: Non-Finnish European, 0.00017%; no homozygotes.

Submissions (2):

Ambry Genetics
Classification: Uncertain significance for Hereditary cancer-predisposing syndrome. Last evaluated: 2026-04-16. Review status: criteria provided, single submitter. Criteria: Ambry Variant Classification Scheme 2023. Collection method: clinical testing. Allele origin: germline.
Comment: The p.S14G variant (also known as c.40A>G), located in coding exon 1 of the PRKAR1A gene, results from an A to G substitution at nucleotide position 40. The serine at codon 14 is replaced by glycine, an amino acid with similar properties. This amino acid position is conserved. In addition, the in silico prediction for this alteration is inconclusive. Based on the available evidence, the clinical significance of this variant remains unclear.

Labcorp Genetics (formerly Invitae), Labcorp
Classification: Uncertain significance for Carney complex, type 1. Last evaluated: 2025-04-11. Review status: criteria provided, single submitter. Criteria: Invitae Variant Classification Sherloc (09022015). Collection method: clinical testing. Allele origin: germline.
Comment: This sequence change replaces serine, which is neutral and polar, with glycine, which is neutral and non-polar, at codon 14 of the PRKAR1A protein (p.Ser14Gly). This variant is not present in population databases (gnomAD no frequency). This variant has not been reported in the literature in individuals affected with PRKAR1A-related conditions. ClinVar contains an entry for this variant (Variation ID: 2761406). Invitae Evidence Modeling of protein sequence and biophysical properties (such as structural, functional, and spatial information, amino acid conservation, physicochemical variation, residue mobility, and thermodynamic stability) indicates that this missense variant is not expected to disrupt PRKAR1A protein function with a negative predictive value of 95%. In summary, the available evidence is currently insufficient to determine the role of this variant in disease. Therefore, it has been classified as a Variant of Uncertain Significance.